The following is an entry in ClinVar:

NM_002582.4(PARN):c.169C>T (p.Leu57Phe)

Gene: PARN (poly(A)-specific ribonuclease; minus strand). Cytogenetic location: 16p13.12.
Variant type: single nucleotide variant.
Coding change: c.169C>T on transcript NM_002582.4 (MANE Select); coding-DNA position 169, C replaced by T.
Protein change: p.Leu57Phe; replaces leucine 57 with phenylalanine.
Molecular consequence: missense variant. On other transcripts: 5 prime UTR variant (1), intron variant (1).
Genome position (GRCh38, 1-based): chr16:14,628,180, G>A on the plus strand (C>T on the coding strand, the complement: PARN is on the minus strand). VCF-style: chr16-14628180-G-A. GRCh37 (hg19) VCF-style: chr16-14722037-G-A.
Other names: c.-15C>T (NM_001134477.3); c.158+11C>T (NM_001242992.2); short protein forms L57F.
Identifiers: ClinVar variation 3761831 (VCV003761831.2).
Genomic context (GRCh38, chr16:14,628,180, plus strand): 5'-ATAAGGAAGACTAACATGAGAAAGAAAAAGATTTCCTAGCACATCCACTTGCCTTTTTAA[G>A]CTTCTGATACCTCTCTTCTGGAGTGTCAAAACCATTTGTTAATGCAGAGACTGAAGGTCC-3'
Protein context (NP_002573.1, residues 47-67): FDTPEERYQK[Leu57Phe]KKHSMDFLLF

ClinVar aggregate classification (germline): Uncertain significance (1 of 4 stars; one submission).

Conditions:
Dyskeratosis congenita, autosomal recessive 6 (DKCB6). Identifiers: MedGen C4225356, MONDO:0014600, OMIM 616353.
Pulmonary fibrosis and/or bone marrow failure, Telomere-related, 4. Also called: PULMONARY FIBROSIS AND/OR BONE MARROW FAILURE SYNDROME, TELOMERE-RELATED, 4. Identifiers: Orphanet 2032, MedGen C4225347, MONDO:0014612, OMIM 616371.

gnomAD v4.1: 2 of 1,584,026 alleles (0.00013%); highest among the groups gnomAD compares: African/African-American, 0.0027%; no homozygotes.

Submission:

Labcorp Genetics (formerly Invitae), Labcorp
Classification: Uncertain significance for Dyskeratosis congenita, autosomal recessive 6; Pulmonary fibrosis and/or bone marrow failure, Telomere-related, 4. Last evaluated: 2024-09-08. Review status: criteria provided, single submitter. Criteria: Invitae Variant Classification Sherloc (09022015). Collection method: clinical testing. Allele origin: germline.
Comment: This sequence change replaces leucine, which is neutral and non-polar, with phenylalanine, which is neutral and non-polar, at codon 57 of the PARN protein (p.Leu57Phe). This variant is present in population databases (rs750899311, gnomAD 0.008%). This variant has not been reported in the literature in individuals affected with PARN-related conditions. Invitae Evidence Modeling of protein sequence and biophysical properties (such as structural, functional, and spatial information, amino acid conservation, physicochemical variation, residue mobility, and thermodynamic stability) indicates that this missense variant is not expected to disrupt PARN protein function with a negative predictive value of 80%. In summary, the available evidence is currently insufficient to determine the role of this variant in disease. Therefore, it has been classified as a Variant of Uncertain Significance.